The following is an entry in ClinVar:

ClinVar aggregate classification (germline): Uncertain significance (1 of 4 stars; one submission).

Conditions:
Developmental and epileptic encephalopathy, 54. Also called: Epileptic encephalopathy, early infantile, 54; HNRNPU-Related Neurodevelopmental Disorder. Identifiers: MedGen C4479319, MONDO:0033363, OMIM 617391.

Submission:

Labcorp Genetics (formerly Invitae), Labcorp
Classification: Uncertain significance for Developmental and epileptic encephalopathy, 54. Last evaluated: 2023-05-23. Review status: criteria provided, single submitter. Criteria: Invitae Variant Classification Sherloc (09022015). Collection method: clinical testing. Allele origin: germline.
Comment: In summary, the available evidence is currently insufficient to determine the role of this variant in disease. Therefore, it has been classified as a Variant of Uncertain Significance. This sequence change replaces serine, which is neutral and polar, with tryptophan, which is neutral and slightly polar, at codon 420 of the HNRNPU protein (p.Ser420Trp). This variant is not present in population databases (gnomAD no frequency). This variant has not been reported in the literature in individuals affected with HNRNPU-related conditions. Advanced modeling of protein sequence and biophysical properties (such as structural, functional, and spatial information, amino acid conservation, physicochemical variation, residue mobility, and thermodynamic stability) performed at Invitae indicates that this missense variant is expected to disrupt HNRNPU protein function.

NM_031844.3(HNRNPU):c.1259C>G (p.Ser420Trp)

Gene: HNRNPU (heterogeneous nuclear ribonucleoprotein U; minus strand). Cytogenetic location: 1q44.
Variant type: single nucleotide variant.
Coding change: c.1259C>G on transcript NM_031844.3 (MANE Select); coding-DNA position 1259, C replaced by G.
Protein change: p.Ser420Trp; replaces serine 420 with tryptophan.
Molecular consequence: missense variant.
Genome position (GRCh38, 1-based): chr1:244,858,246, G>C on the plus strand (C>G on the coding strand, the complement: HNRNPU is on the minus strand). VCF-style: chr1-244858246-G-C. GRCh37 (hg19) VCF-style: chr1-245021548-G-C.
Other names: c.1202C>G, p.Ser401Trp (NM_004501.3); short protein forms S420W, S401W.
Identifiers: ClinVar variation 2769010 (VCV002769010.3), dbSNP rs778010676, ClinGen allele CA345492023.